The following is an entry in ClinVar:

ClinVar aggregate classification (germline): Uncertain significance (1 of 4 stars; one submission).

Submission:

Labcorp Genetics (formerly Invitae), Labcorp
Classification: Uncertain significance. Last evaluated: 2025-01-19. Review status: criteria provided, single submitter. Criteria: Invitae Variant Classification Sherloc (09022015). Collection method: clinical testing. Allele origin: germline.
Comment: This sequence change replaces tyrosine, which is neutral and polar, with cysteine, which is neutral and slightly polar, at codon 506 of the KCNH1 protein (p.Tyr506Cys). This variant is not present in population databases (gnomAD no frequency). This variant has not been reported in the literature in individuals affected with KCNH1-related conditions. Invitae Evidence Modeling of protein sequence and biophysical properties (such as structural, functional, and spatial information, amino acid conservation, physicochemical variation, residue mobility, and thermodynamic stability) has been performed for this missense variant. However, the output from this modeling did not meet the statistical confidence thresholds required to predict the impact of this variant on KCNH1 protein function. In summary, the available evidence is currently insufficient to determine the role of this variant in disease. Therefore, it has been classified as a Variant of Uncertain Significance.

NM_172362.3(KCNH1):c.1517A>G (p.Tyr506Cys)

Gene: KCNH1 (potassium voltage-gated channel subfamily H member 1; minus strand). Cytogenetic location: 1q32.2.
Variant type: single nucleotide variant.
Coding change: c.1517A>G on transcript NM_172362.3 (MANE Select); coding-DNA position 1517, A replaced by G.
Protein change: p.Tyr506Cys; replaces tyrosine 506 with cysteine.
Molecular consequence: missense variant.
Genome position (GRCh38, 1-based): chr1:210,804,112, T>C on the plus strand (A>G on the coding strand, the complement: KCNH1 is on the minus strand). VCF-style: chr1-210804112-T-C. GRCh37 (hg19) VCF-style: chr1-210977454-T-C.
Other names: c.1436A>G, p.Tyr479Cys (NM_002238.4); short protein forms Y479C, Y506C.
Identifiers: ClinVar variation 3633731 (VCV003633731.2).